The following is an entry in ClinVar:

NM_032119.4(ADGRV1):c.2951G>A (p.Gly984Glu)

Gene: ADGRV1 (adhesion G protein-coupled receptor V1; plus strand). Cytogenetic location: 5q14.3.
Variant type: single nucleotide variant.
Coding change: c.2951G>A on transcript NM_032119.4 (MANE Select); coding-DNA position 2951, G replaced by A.
Protein change: p.Gly984Glu; replaces glycine 984 with glutamic acid.
Molecular consequence: missense variant. On other transcripts: non-coding transcript variant (1).
Genome position (GRCh38, 1-based): chr5:90,646,020, G>A. VCF-style: chr5-90646020-G-A. GRCh37 (hg19) VCF-style: chr5-89941837-G-A.
Other names: short protein forms G984E.
Identifiers: ClinVar variation 1957818 (VCV001957818.5), dbSNP rs752178057, ClinGen allele CA3339066.

ClinVar aggregate classification (germline): Uncertain significance (1 of 4 stars; one submission).

Allele frequency attached by ClinVar (database versions not stated): TOPMed below 0.00001; ExAC 0.00001.
gnomAD v4.1: 1 of 1,606,836 alleles (0.000062%); highest among the groups gnomAD compares: Non-Finnish European, 0.000085%; no homozygotes.

Submission:

Labcorp Genetics (formerly Invitae), Labcorp
Classification: Uncertain significance. Last evaluated: 2022-10-17. Review status: criteria provided, single submitter. Criteria: Invitae Variant Classification Sherloc (09022015). Collection method: clinical testing. Allele origin: germline.
Comment: In summary, the available evidence is currently insufficient to determine the role of this variant in disease. Therefore, it has been classified as a Variant of Uncertain Significance. Advanced modeling of protein sequence and biophysical properties (such as structural, functional, and spatial information, amino acid conservation, physicochemical variation, residue mobility, and thermodynamic stability) has been performed at Invitae for this missense variant, however the output from this modeling did not meet the statistical confidence thresholds required to predict the impact of this variant on ADGRV1 protein function. This variant has not been reported in the literature in individuals affected with ADGRV1-related conditions. The frequency data for this variant in the population databases is considered unreliable, as metrics indicate poor data quality at this position in the gnomAD database. This sequence change replaces glycine, which is neutral and non-polar, with glutamic acid, which is acidic and polar, at codon 984 of the ADGRV1 protein (p.Gly984Glu).